The following is an entry in ClinVar:

NM_001366385.1(CARD14):c.1561_1564del (p.Pro521fs)

Gene: CARD14 (caspase recruitment domain family member 14; plus strand). Cytogenetic location: 17q25.3.
Variant type: Deletion.
Coding change: c.1561_1564del on transcript NM_001366385.1 (MANE Select); coding-DNA positions 1561 to 1564, 4 bases deleted (CCAC; older notation c.1561_1564delCCAC).
Protein change: p.Pro521fs; shifts the reading frame from proline 521.
Molecular consequence: frameshift variant. On other transcripts: non-coding transcript variant (1).
Genome position (GRCh38, 1-based): chr17:80,195,619-80,195,622, CCAC deleted; deleting any 4 consecutive bases within chr17:80,195,617-80,195,622 gives the same sequence; the c. name uses the placement nearest the transcript's 3' end. VCF-style (leftmost placement, unchanged base first): chr17-80195616-GACCC-G. GRCh37 (hg19) VCF-style: chr17-78169415-GACCC-G.
Other names: c.1561_1564del, p.Pro521fs (NM_001257970.1, NM_024110.4); c.850_853del, p.Pro284fs (NM_052819.3); short protein forms P521fs, P284fs.
Identifiers: ClinVar variation 2929579 (VCV002929579.3), dbSNP rs2510669568, ClinGen allele CA2740093948.

ClinVar aggregate classification (germline): Uncertain significance (1 of 4 stars; one submission).

Conditions:
Pityriasis rubra pilaris (PRP). Also called: Pityriasis rubra pilaris--familial type. Identifiers: Orphanet 2897, MedGen C0032027, MONDO:0100017, OMIM 173200, MONDO:0008251.
Psoriasis 2. Identifiers: MedGen C1864497, MONDO:0011269, OMIM 602723.

Submission:

Labcorp Genetics (formerly Invitae), Labcorp
Classification: Uncertain significance for Pityriasis rubra pilaris; Psoriasis 2. Last evaluated: 2023-07-16. Review status: criteria provided, single submitter. Criteria: Invitae Variant Classification Sherloc (09022015). Collection method: clinical testing. Allele origin: germline.
Comment: In summary, the available evidence is currently insufficient to determine the role of this variant in disease. Therefore, it has been classified as a Variant of Uncertain Significance. This variant has not been reported in the literature in individuals affected with CARD14-related conditions. This variant is not present in population databases (gnomAD no frequency). This sequence change creates a premature translational stop signal (p.Pro521Thrfs*7) in the CARD14 gene. It is expected to result in an absent or disrupted protein product. However, the current clinical and genetic evidence is not sufficient to establish whether loss-of-function variants in CARD14 cause disease.